The following is an entry in ClinVar:

NM_002528.7(NTHL1):c.766G>T (p.Ala256Ser)

Gene: NTHL1 (nth like DNA glycosylase 1; minus strand). Cytogenetic location: 16p13.3.
Variant type: single nucleotide variant.
Coding change: c.766G>T on transcript NM_002528.7 (MANE Select); coding-DNA position 766, G replaced by T.
Protein change: p.Ala256Ser; replaces alanine 256 with serine.
Molecular consequence: missense variant.
Genome position (GRCh38, 1-based): chr16:2,040,158, C>A on the plus strand (G>T on the coding strand, the complement: NTHL1 is on the minus strand). VCF-style: chr16-2040158-C-A. GRCh37 (hg19) VCF-style: chr16-2090159-C-A.
Other names: c.595G>T, p.Ala199Ser (NM_001318193.2); c.436G>T, p.Ala146Ser (NM_001318194.2); short protein forms A199S, A256S, A146S.
Identifiers: ClinVar variation 3301255 (VCV003301255.1).

ClinVar aggregate classification (germline): Uncertain significance (1 of 4 stars; one submission).

Conditions:
Hereditary cancer-predisposing syndrome. Also called: Tumor predisposition; Hereditary Cancer Syndrome; Hereditary neoplastic syndrome; Neoplastic Syndromes, Hereditary. Identifiers: Orphanet 140162, MedGen C0027672, MeSH D009386, MONDO:0015356.

Submission:

Ambry Genetics
Classification: Uncertain significance for Hereditary cancer-predisposing syndrome. Last evaluated: 2024-03-16. Review status: criteria provided, single submitter. Criteria: Ambry Variant Classification Scheme 2023. Collection method: clinical testing. Allele origin: germline.
Comment: The p.A264S variant (also known as c.790G>T), located in coding exon 5 of the NTHL1 gene, results from a G to T substitution at nucleotide position 790. The alanine at codon 264 is replaced by serine, an amino acid with similar properties. This amino acid position is conserved. In addition, this alteration is predicted to be tolerated by in silico analysis. Based on the available evidence, the clinical significance of this alteration remains unclear.